The following is an entry in ClinVar:

ClinVar aggregate classification (germline): Uncertain significance (1 of 4 stars; one submission).

Conditions:
Spastic paraplegia. Identifiers: MedGen C0037772, HP:0001258.

Allele frequency attached by ClinVar (database versions not stated): gnomAD exomes below 0.00001.

Submission:

Labcorp Genetics (formerly Invitae), Labcorp
Classification: Uncertain significance for Spastic paraplegia. Last evaluated: 2022-05-25. Review status: criteria provided, single submitter. Criteria: Invitae Variant Classification Sherloc (09022015). Collection method: clinical testing. Allele origin: germline.
Comment: In summary, the available evidence is currently insufficient to determine the role of this variant in disease. Therefore, it has been classified as a Variant of Uncertain Significance. Algorithms developed to predict the effect of missense changes on protein structure and function output the following: SIFT: "Tolerated"; PolyPhen-2: "Benign"; Align-GVGD: "Class C0". The isoleucine amino acid residue is found in multiple mammalian species, which suggests that this missense change does not adversely affect protein function. This variant has not been reported in the literature in individuals affected with CYP7B1-related conditions. This variant is present in population databases (no rsID available, gnomAD 0.003%). This sequence change replaces valine, which is neutral and non-polar, with isoleucine, which is neutral and non-polar, at codon 464 of the CYP7B1 protein (p.Val464Ile).

NM_004820.5(CYP7B1):c.1390G>A (p.Val464Ile)

Gene: CYP7B1 (cytochrome P450 family 7 subfamily B member 1; minus strand). Cytogenetic location: 8q12.3.
Variant type: single nucleotide variant.
Coding change: c.1390G>A on transcript NM_004820.5 (MANE Select); coding-DNA position 1390, G replaced by A.
Protein change: p.Val464Ile; replaces valine 464 with isoleucine.
Molecular consequence: missense variant. On other transcripts: intron variant (1).
Genome position (GRCh38, 1-based): chr8:64,596,773, C>T on the plus strand (G>A on the coding strand, the complement: CYP7B1 is on the minus strand). VCF-style: chr8-64596773-C-T. GRCh37 (hg19) VCF-style: chr8-65509330-C-T.
Other names: c.1234-6929G>A (NM_001324112.2); short protein forms V464I.
Identifiers: ClinVar variation 1937306 (VCV001937306.4), dbSNP rs1014650085, ClinGen allele CA178383050.